The following is an entry in ClinVar:

NM_001032382.2(PQBP1):c.489C>G (p.Arg163=)

Gene: PQBP1 (polyglutamine binding protein 1; plus strand). Cytogenetic location: Xp11.23.
Variant type: single nucleotide variant.
Coding change: c.489C>G on transcript NM_001032382.2 (MANE Select); coding-DNA position 489, C replaced by G.
Protein change: p.Arg163=; no amino-acid change (arginine 163 retained).
Molecular consequence: synonymous variant. On other transcripts: intron variant (2).
Genome position (GRCh38, 1-based): chrX:48,902,429, C>G. VCF-style: chrX-48902429-C-G. GRCh37 (hg19) VCF-style: chrX-48759706-C-G.
Other names: c.489C>G, p.Arg163= (NM_001032381.2, NM_001032383.2, NM_001032384.1 and 2 more transcripts); c.465C>G, p.Arg155= (NM_001167990.2); c.293-303C>G (NM_144495.3); c.202-13C>G (NM_001167992.1).
Identifiers: ClinVar variation 3006808 (VCV003006808.3), dbSNP rs782276356, ClinGen allele CA516359754.
Genomic context (GRCh38, chrX:48,902,429, plus strand): 5'-GCGTGGCTATGACAAGGTAGACAGAGAGAGAGAGCGAGACAGGGAACGGGATCGGGACCG[C>G]GGGTATGACAAGGCAGACCGGGAAGAGGGCAAAGAACGGCGCCACCATCGCCGGGAGGAG-3'
Protein context (NP_001027554.1, residues 153-173): RERDRERDRD[Arg163=]GYDKADREEG

ClinVar aggregate classification (germline): Uncertain significance (1 of 4 stars; one submission).

gnomAD v4.1: 7 of 1,208,825 alleles (0.00058%); highest among the groups gnomAD compares: Non-Finnish European, 0.00067%; no homozygotes.

Submission:

Labcorp Genetics (formerly Invitae), Labcorp
Classification: Uncertain significance. Last evaluated: 2023-11-27. Review status: criteria provided, single submitter. Criteria: Invitae Variant Classification Sherloc (09022015). Collection method: clinical testing. Allele origin: germline.
Comment: This sequence change affects codon 163 of the PQBP1 mRNA. It is a 'silent' change, meaning that it does not change the encoded amino acid sequence of the PQBP1 protein. This variant is not present in population databases (gnomAD no frequency). This variant has not been reported in the literature in individuals affected with PQBP1-related conditions. Algorithms developed to predict the effect of sequence changes on RNA splicing suggest that this variant may create or strengthen a splice site. In summary, the available evidence is currently insufficient to determine the role of this variant in disease. Therefore, it has been classified as a Variant of Uncertain Significance.